The following is an entry in ClinVar:

ClinVar aggregate classification (germline): Uncertain significance. Review status: criteria provided, multiple submitters, no conflicts (2 of 4 stars). 3 submissions from 3 submitters: Uncertain significance (3). Last evaluated 2025-11-05.

Conditions:
MYH6-related disorder. Also called: MYH6-Related Disorders; MYH6-related condition.
Cardiovascular phenotype. Identifiers: MedGen CN230736.
Hypertrophic cardiomyopathy 14. Identifiers: MedGen C2750467, MONDO:0013197, OMIM 613251.

Allele frequency attached by ClinVar (database versions not stated): TOPMed 0.00001.
gnomAD v4.1: 4 of 1,582,698 alleles (0.00025%); highest among the groups gnomAD compares: Non-Finnish European, 0.00034%; no homozygotes.

Submissions (3):

PreventionGenetics, part of Exact Sciences
Classification: Uncertain significance for MYH6-related condition. Last evaluated: 2025-11-05. Review status: criteria provided, single submitter. Criteria: ACMG Guidelines, 2015. Collection method: clinical testing. Allele origin: germline.
Comment: The MYH6 c.3541G>A variant is predicted to result in the amino acid substitution p.Glu1181Lys. To our knowledge, this variant has not been reported in the literature. This variant is reported in 0.0% of alleles in individuals of African descent in gnomAD. At this time, the clinical significance of this variant is uncertain due to the absence of conclusive functional and genetic evidence.

Ambry Genetics
Classification: Uncertain significance for Cardiovascular phenotype. Last evaluated: 2024-03-14. Review status: criteria provided, single submitter. Criteria: Ambry Variant Classification Scheme 2023. Collection method: clinical testing. Allele origin: germline.
Comment: The p.E1181K variant (also known as c.3541G>A), located in coding exon 24 of the MYH6 gene, results from a G to A substitution at nucleotide position 3541. The glutamic acid at codon 1181 is replaced by lysine, an amino acid with similar properties. This amino acid position is conserved. In addition, this alteration is predicted to be deleterious by in silico analysis. Based on the available evidence, the clinical significance of this alteration remains unclear.

Labcorp Genetics (formerly Invitae), Labcorp
Classification: Uncertain significance for Hypertrophic cardiomyopathy 14. Last evaluated: 2019-06-14. Review status: criteria provided, single submitter. Criteria: Invitae Variant Classification Sherloc (09022015). Collection method: clinical testing. Allele origin: germline.
Comment: This variant has not been reported in the literature in individuals with MYH6-related disease. This variant is not present in population databases (ExAC no frequency). This sequence change replaces glutamic acid with lysine at codon 1181 of the MYH6 protein (p.Glu1181Lys). The glutamic acid residue is weakly conserved and there is a small physicochemical difference between glutamic acid and lysine. Algorithms developed to predict the effect of missense changes on protein structure and function do not agree on the potential impact of this missense change (SIFT: "Deleterious"; PolyPhen-2: "Possibly Damaging"; Align-GVGD: "Class C0"). In summary, the available evidence is currently insufficient to determine the role of this variant in disease. Therefore, it has been classified as a Variant of Uncertain Significance.

NM_002471.4(MYH6):c.3541G>A (p.Glu1181Lys)

Gene: MYH6 (myosin heavy chain 6; minus strand). Cytogenetic location: 14q11.2.
Variant type: single nucleotide variant.
Coding change: c.3541G>A on transcript NM_002471.4 (MANE Select); coding-DNA position 3541, G replaced by A.
Protein change: p.Glu1181Lys; replaces glutamic acid 1181 with lysine.
Molecular consequence: missense variant.
Genome position (GRCh38, 1-based): chr14:23,390,248, C>T on the plus strand (G>A on the coding strand, the complement: MYH6 is on the minus strand). VCF-style: chr14-23390248-C-T. GRCh37 (hg19) VCF-style: chr14-23859457-C-T.
Other names: short protein forms E1181K.
Identifiers: ClinVar variation 537955 (VCV000537955.12), dbSNP rs1033416176, ClinGen allele CA257784108.